The following is an entry in ClinVar:

NM_000016.6(ACADM):c.243_250del (p.Glu83fs)

Gene: ACADM (acyl-CoA dehydrogenase medium chain; plus strand). Cytogenetic location: 1p31.1.
Variant type: Deletion.
Coding change: c.243_250del on transcript NM_000016.6 (MANE Select); coding-DNA positions 243 to 250, 8 bases deleted (CTGGGAAC; older notation c.243_250delCTGGGAAC).
Protein change: p.Glu83fs; shifts the reading frame from glutamic acid 83.
Molecular consequence: frameshift variant. On other transcripts: 5 prime UTR variant (1).
Genome position (GRCh38, 1-based): chr1:75,732,879-75,732,886, CTGGGAAC deleted; deleting any 8 consecutive bases within chr1:75,732,878-75,732,886 gives the same sequence; the c. name uses the placement nearest the transcript's 3' end. VCF-style (leftmost placement, unchanged base first): chr1-75732877-GCCTGGGAA-G. GRCh37 (hg19) VCF-style: chr1-76198562-GCCTGGGAA-G.
Other names: c.255_262del, p.Glu87fs (NM_001127328.3); c.135_142del, p.Glu47fs (NM_001286042.2); c.243_250del, p.Glu83fs (NM_001286043.2); c.-143_-136del (NM_001286044.2); short protein forms E47fs, E83fs, E87fs.
Identifiers: ClinVar variation 1073714 (VCV001073714.7), dbSNP rs2100363563, ClinGen allele CA2499214857.
Genomic context (GRCh38, chr1:75,732,877, plus strand): 5'-TCAAAATATATTTTAACTCAGTTCTTTTTCTTCTAGTATCCAGTCCCCCTAATTAGAAGA[GCCTGGGAA>G]CTTGGTTTAATGAACACACACATTCCAGAGAACTGTGGTAAGCTTTCTTTATATTTTTAA-3'

ClinVar aggregate classification (germline): Pathogenic (1 of 4 stars; one submission).

Conditions:
Medium-chain acyl-coenzyme A dehydrogenase deficiency (ACADMD). Also called: Medium chain acyl-CoA dehydrogenase deficiency; ACADM DEFICIENCY; MCADH DEFICIENCY; CARNITINE DEFICIENCY SECONDARY TO MEDIUM-CHAIN ACYL-CoA DEHYDROGENASE DEFICIENCY; MCAD Deficiency; MCADD. Identifiers: Orphanet 42, MedGen C0220710, MONDO:0008721, OMIM 201450.

Submission:

Labcorp Genetics (formerly Invitae), Labcorp
Classification: Pathogenic for Medium-chain acyl-coenzyme A dehydrogenase deficiency. Last evaluated: 2020-12-07. Review status: criteria provided, single submitter. Criteria: Invitae Variant Classification Sherloc (09022015). Collection method: clinical testing. Allele origin: germline.
Comment: This sequence change creates a premature translational stop signal (p.Glu83Phefs*19) in the ACADM gene. It is expected to result in an absent or disrupted protein product. For these reasons, this variant has been classified as Pathogenic. Loss-of-function variants in ACADM are known to be pathogenic (PMID: 16121256, 20434380). This variant has not been reported in the literature in individuals with ACADM-related conditions. This variant is not present in population databases (ExAC no frequency).

Literature cited by the submitters: PubMed 16121256; PubMed 20434380.